The following is an entry in ClinVar:

NM_001145026.2(PTPRQ):c.2938C>T (p.Gln980Ter)

Gene: PTPRQ (protein tyrosine phosphatase receptor type Q; plus strand). Cytogenetic location: 12q21.31.
Variant type: single nucleotide variant.
Coding change: c.2938C>T on transcript NM_001145026.2 (MANE Select); coding-DNA position 2938, C replaced by T.
Protein change: p.Gln980Ter; replaces glutamine 980 with a stop codon.
Molecular consequence: nonsense.
Genome position (GRCh38, 1-based): chr12:80,534,990, C>T. VCF-style: chr12-80534990-C-T. GRCh37 (hg19) VCF-style: chr12-80928769-C-T.
Other names: short protein forms Q980*.
Identifiers: ClinVar variation 5005184 (VCV005005184.2).

ClinVar aggregate classification (germline): Likely pathogenic (1 of 4 stars; one submission).

Conditions:
Autosomal recessive nonsyndromic hearing loss 84A. Also called: DEAFNESS, AUTOSOMAL RECESSIVE 84A; DEAFNESS, AUTOSOMAL RECESSIVE 84A, WITH VESTIBULAR DYSFUNCTION. Identifiers: Orphanet 90636, MedGen C3150654, MONDO:0013249, OMIM 613391.

Submission:

Juno Genomics, Hangzhou Juno Genomics, Inc
Classification: Likely pathogenic for Autosomal recessive nonsyndromic hearing loss 84A. Review status: criteria provided, single submitter. Criteria: ACMG Guidelines, 2015. Collection method: clinical testing. Allele origin: germline.
Comment: Null variant in a gene where loss of function (LOF) is a known mechanism of disease.;Absent from controls (or at extremely low frequency if recessive) in Genome Aggregation Database.